The following is an entry in ClinVar:

NM_018896.5(CACNA1G):c.1786A>G (p.Ser596Gly)

Gene: CACNA1G (calcium voltage-gated channel subunit alpha1 G; plus strand). Cytogenetic location: 17q21.33.
Variant type: single nucleotide variant.
Coding change: c.1786A>G on transcript NM_018896.5 (MANE Select); coding-DNA position 1786, A replaced by G.
Protein change: p.Ser596Gly; replaces serine 596 with glycine.
Molecular consequence: missense variant. On other transcripts: non-coding transcript variant (5).
Genome position (GRCh38, 1-based): chr17:50,576,188, A>G. VCF-style: chr17-50576188-A-G. GRCh37 (hg19) VCF-style: chr17-48653549-A-G.
Other names: c.1786A>G, p.Ser596Gly (NM_198385.3, NM_198386.3, NM_198387.3 and 24 more transcripts); c.1786A>G (NM_018896.3); short protein forms S596G.
Identifiers: ClinVar variation 2429713 (VCV002429713.27), dbSNP rs772432409, ClinGen allele CA8652240.

ClinVar aggregate classification (germline): Uncertain significance. Review status: criteria provided, multiple submitters, no conflicts (2 of 4 stars). 3 submissions from 3 submitters: Uncertain significance (3). Last evaluated 2025-11-20.

Conditions:
Inborn genetic diseases. Identifiers: MedGen C0950123, MeSH D030342.

Allele frequency attached by ClinVar (database versions not stated): ExAC 0.00001; gnomAD exomes 0.00001; gnomAD 0.00002.
gnomAD v4.1: 13 of 1,610,150 alleles (0.00081%); highest among the groups gnomAD compares: Non-Finnish European, 0.0011%; no homozygotes.

Submissions (3):

GeneDx
Classification: Uncertain significance. Last evaluated: 2025-11-20. Review status: criteria provided, single submitter. Criteria: GeneDx Variant Classification Process June 2021. Collection method: clinical testing. Allele origin: germline. Affected: yes.
Comment: In silico analysis supports that this missense variant has a deleterious effect on protein structure/function; Has not been previously published as pathogenic or benign to our knowledge

Ambry Genetics
Classification: Uncertain significance for Inborn genetic diseases. Last evaluated: 2024-03-01. Review status: criteria provided, single submitter. Criteria: Ambry Variant Classification Scheme 2023. Collection method: clinical testing. Allele origin: germline.

CeGaT Center for Human Genetics Tuebingen
Classification: Uncertain significance. Last evaluated: 2022-10-01. Review status: criteria provided, single submitter. Criteria: CeGaT Center For Human Genetics Tuebingen Variant Classification Criteria Version 2. Collection method: clinical testing. Allele origin: germline. Affected: yes. Observed: 1 variant allele.
Comment: CACNA1G: PM2